The following is an entry in ClinVar:

ClinVar aggregate classification (germline): Uncertain significance (1 of 4 stars; one submission).

Allele frequency attached by ClinVar (database versions not stated): TOPMed below 0.00001.

Submission:

Labcorp Genetics (formerly Invitae), Labcorp
Classification: Uncertain significance. Last evaluated: 2023-04-25. Review status: criteria provided, single submitter. Criteria: Invitae Variant Classification Sherloc (09022015). Collection method: clinical testing. Allele origin: germline.
Comment: In summary, the available evidence is currently insufficient to determine the role of this variant in disease. Therefore, it has been classified as a Variant of Uncertain Significance. An algorithm developed to predict the effect of missense changes on protein structure and function (PolyPhen-2) suggests that this variant is likely to be tolerated. This variant has not been reported in the literature in individuals affected with SGMS2-related conditions. This variant is not present in population databases (gnomAD no frequency). This sequence change replaces threonine, which is neutral and polar, with asparagine, which is neutral and polar, at codon 53 of the SGMS2 protein (p.Thr53Asn).

NM_001375905.1(SGMS2):c.158C>A (p.Thr53Asn)

Genes: CYP2U1-AS1 (CYP2U1 and SGMS2 antisense RNA 1; minus strand), SGMS2 (sphingomyelin synthase 2; plus strand). Cytogenetic location: 4q25.
Variant type: single nucleotide variant.
Coding change: c.158C>A on transcript NM_001375905.1 (MANE Select); coding-DNA position 158, C replaced by A.
Protein change: p.Thr53Asn; replaces threonine 53 with asparagine.
Molecular consequence: missense variant. On other transcripts: intron variant (1).
Genome position (GRCh38, 1-based): chr4:107,895,711, C>A. VCF-style: chr4-107895711-C-A. GRCh37 (hg19) VCF-style: chr4-108816867-C-A.
Other names: c.158C>A, p.Thr53Asn (NM_001136257.2, NM_001136258.2, NM_001375906.1 and 4 more transcripts); c.-64-3864C>A (NM_001375911.1); short protein forms T53N.
Identifiers: ClinVar variation 2779806 (VCV002779806.3), dbSNP rs754617588, ClinGen allele CA357835041.
Genomic context (GRCh38, chr4:107,895,711, plus strand): 5'-AAGAAAACAAAAATGGCAATGGTAAACCCAAGAGCTTATCCAGTGGGCTGCGAAAAGGCA[C>A]CAAAAAGTACCCGGACTATATCCAAATTGCTATGCCCACTGAATCAAGGAACAAATTTCC-3'
Protein context (NP_001362834.1, residues 43-63): KSLSSGLRKG[Thr53Asn]KKYPDYIQIA